The following is an entry in ClinVar:

ClinVar aggregate classification (germline): Pathogenic/Likely pathogenic. Review status: criteria provided, multiple submitters, no conflicts (2 of 4 stars). 2 submissions from 2 submitters: Pathogenic (1); Likely pathogenic (1). Last evaluated 2023-03-24.

Conditions:
Thyroid dyshormonogenesis 6 (TDH6). Also called: HYPOTHYROIDISM, CONGENITAL, DUE TO DYSHORMONOGENESIS, 6; Genetic transient congenital hypothyroidism; THYROID HORMONOGENESIS, GENETIC DEFECT IN, 6. Identifiers: Orphanet 226316, Orphanet 95716, MedGen C1846632, MONDO:0011792, OMIM 607200.

Allele frequency attached by ClinVar (database versions not stated): gnomAD exomes below 0.00001.
gnomAD v4.1: 4 of 1,613,052 alleles (0.00025%); highest among the groups gnomAD compares: Non-Finnish European, 0.00034%; no homozygotes.

Submissions (2):

Labcorp Genetics (formerly Invitae), Labcorp
Classification: Pathogenic. Last evaluated: 2023-03-24. Review status: criteria provided, single submitter. Criteria: Invitae Variant Classification Sherloc (09022015). Collection method: clinical testing. Allele origin: germline.
Comment: This sequence change creates a premature translational stop signal (p.Gln153*) in the DUOX2 gene. It is expected to result in an absent or disrupted protein product. Loss-of-function variants in DUOX2 are known to be pathogenic (PMID: 12110737, 18765513, 21565790, 24423310, 24735383). This variant is not present in population databases (gnomAD no frequency). This variant has not been reported in the literature in individuals affected with DUOX2-related conditions. For these reasons, this variant has been classified as Pathogenic.

Neuberg Centre For Genomic Medicine, NCGM
Classification: Likely pathogenic for Thyroid dyshormonogenesis 6. Review status: criteria provided, single submitter. Criteria: ACMG Guidelines, 2015. Collection method: clinical testing. Allele origin: germline. Inheritance: Autosomal recessive inheritance. Affected: yes.
Comment: The stop gained p.Q153* in DUOX2 (NM_001363711.2) has not been reported previously as a pathogenic variant nor as a benign variant, to our knowledge. The p.Q153* variant is novel (not in any individuals) in gnomAD Exomes and is novel (not in any individuals) in 1000 Genomes. This variant is predicted to cause loss of normal protein function through protein truncation. For these reasons, this variant has been classified as Likely Pathogenic.

Literature cited by the submitters: PubMed 12110737 (cited by Labcorp Genetics (formerly Invitae), Labcorp); PubMed 18765513 (cited by Labcorp Genetics (formerly Invitae), Labcorp); PubMed 21565790 (cited by Labcorp Genetics (formerly Invitae), Labcorp); PubMed 24423310 (cited by Labcorp Genetics (formerly Invitae), Labcorp); PubMed 24735383 (cited by Labcorp Genetics (formerly Invitae), Labcorp).

NM_001363711.2(DUOX2):c.457C>T (p.Gln153Ter)

Gene: DUOX2 (dual oxidase 2; minus strand). Cytogenetic location: 15q21.1.
Variant type: single nucleotide variant.
Coding change: c.457C>T on transcript NM_001363711.2 (MANE Select); coding-DNA position 457, C replaced by T.
Protein change: p.Gln153Ter; replaces glutamine 153 with a stop codon.
Molecular consequence: nonsense.
Genome position (GRCh38, 1-based): chr15:45,111,824, G>A on the plus strand (C>T on the coding strand, the complement: DUOX2 is on the minus strand). VCF-style: chr15-45111824-G-A. GRCh37 (hg19) VCF-style: chr15-45404022-G-A.
Other names: c.457C>T, p.Gln153Ter (NM_014080.5); short protein forms Q153*.
Identifiers: ClinVar variation 2627482 (VCV002627482.4), dbSNP rs2504785818, ClinGen allele CA392279273.